The following is an entry in ClinVar:

NM_001608.4(ACADL):c.939T>C (p.Tyr313=)

Gene: ACADL (acyl-CoA dehydrogenase long chain; minus strand). Cytogenetic location: 2q34.
Variant type: single nucleotide variant.
Coding change: c.939T>C on transcript NM_001608.4 (MANE Select); coding-DNA position 939, T replaced by C.
Protein change: p.Tyr313=; no amino-acid change (tyrosine 313 retained).
Molecular consequence: synonymous variant.
Genome position (GRCh38, 1-based): chr2:210,203,376, A>G on the plus strand (T>C on the coding strand, the complement: ACADL is on the minus strand). VCF-style: chr2-210203376-A-G. GRCh37 (hg19) VCF-style: chr2-211068100-A-G.
Identifiers: ClinVar variation 1701408 (VCV001701408.33), dbSNP rs148069105, ClinGen allele CA2084877.
Genomic context (GRCh38, chr2:210,203,376, plus strand): 5'-CAGTGACAAGCTTACCTGTAGGTGAGCAACTGTTTTGCCAAAAGCTTTTCTTTGTTTAAC[A>G]TAGTTCCTGGTTTCTTCAAACATGAATTCACTAGCTGAAATTGCCACATCAGCAATTAAC-3'
Protein context (NP_001599.1, residues 303-323): SEFMFEETRN[Tyr313=]VKQRKAFGKT

ClinVar aggregate classification (germline): Likely benign. Review status: criteria provided, multiple submitters, no conflicts (2 of 4 stars). 3 submissions from 3 submitters: Likely benign (2). 1 of the submissions does not count toward it. Last evaluated 2024-11-21.

Conditions:
ACADL-related disorder. Also called: ACADL-related condition.

Allele frequency attached by ClinVar (database versions not stated): gnomAD 0.00059 and 0.00061; TOPMed 0.00065; gnomAD exomes 0.00079 and 0.00090; ExAC 0.00084; ESP Exome Variant Server 0.00100.
gnomAD v4.1: 1,389 of 1,613,466 alleles (0.086%); highest among the groups gnomAD compares: Non-Finnish European, 0.11%; 5 homozygotes.

Submissions (3):

Blueprint Genetics
Classification: Likely benign. Last evaluated: 2024-11-21. Review status: criteria provided, single submitter. Criteria: ACMG Guidelines, 2015. Collection method: clinical testing. Allele origin: germline.

CeGaT Center for Human Genetics Tuebingen
Classification: Likely benign. Last evaluated: 2022-07-01. Review status: criteria provided, single submitter. Criteria: CeGaT Center For Human Genetics Tuebingen Variant Classification Criteria Version 2. Collection method: clinical testing. Allele origin: germline. Affected: yes. Observed: 1 variant allele.
Comment: ACADL: BP4, BP7

PreventionGenetics, part of Exact Sciences
Classification: Likely benign for ACADL-related condition. Last evaluated: 2019-08-28. Review status: no assertion criteria provided. Collection method: clinical testing. Allele origin: germline. Not counted in ClinVar's aggregate classification.
Comment: This variant is classified as likely benign based on ACMG/AMP sequence variant interpretation guidelines (Richards et al. 2015 PMID: 25741868, with internal and published modifications).